The following is an entry in ClinVar:

ClinVar aggregate classification (germline): Pathogenic. Review status: criteria provided, multiple submitters, no conflicts (2 of 4 stars). 5 submissions from 5 submitters: Pathogenic (4). 1 of the submissions does not count toward it. Last evaluated 2024-10-09.

Conditions:
Carnitine acylcarnitine translocase deficiency (CACTD). Identifiers: Orphanet 159, MedGen C0342791, MONDO:0008918, OMIM 212138.

Submissions (5):

Women's Health and Genetics/Laboratory Corporation of America, LabCorp
Classification: Pathogenic for Carnitine acylcarnitine translocase deficiency. Last evaluated: 2024-10-09. Review status: criteria provided, single submitter. Criteria: LabCorp Variant Classification Summary - May 2015. Collection method: clinical testing. Allele origin: germline.
Comment: Variant summary: SLC25A20 c.713A>G (p.Gln238Arg) results in a conservative amino acid change in the encoded protein sequence. Four of five in-silico tools predict a damaging effect of the variant on protein function. The variant was absent in 250762 control chromosomes. c.713A>G has been reported in the literature in multiple individuals affected with Carnitine-Acylcarnitine Translocase Deficiency (e.g. Al Aqeel_2003, Galron_2004, Iacobazzi_2004). These data indicate that the variant is very likely to be associated with disease. Additionally, at least two publications report that the variant results in enzyme activities <5% of normal in fibroblasts from homozygous patients (e.g. Al Aqeel_2003, Iacobazzi_2004). The following publications have been ascertained in the context of this evaluation (PMID: 12859414, 15159657, 15057979). ClinVar contains an entry for this variant (Variation ID: 12138). Based on the evidence outlined above, the variant was classified as pathogenic.

Genomic Medicine Center of Excellence, King Faisal Specialist Hospital and Research Centre
Classification: Pathogenic for Carnitine acylcarnitine translocase deficiency. Last evaluated: 2024-04-04. Review status: criteria provided, single submitter. Criteria: ACMG Guidelines, 2015. Collection method: clinical testing. Allele origin: germline.

Eurofins Ntd Llc (ga)
Classification: Pathogenic. Last evaluated: 2013-12-17. Review status: criteria provided, single submitter. Criteria: EGL Classification Definitions 2015. Collection method: clinical testing. Allele origin: germline. Observed: 2 variant alleles, 2 homozygotes.

Pathology and Clinical Laboratory Medicine, King Fahad Medical City
Classification: Pathogenic for Carnitine acylcarnitine translocase deficiency. Review status: criteria provided, single submitter. Criteria: ACMG Guidelines, 2015. Collection method: clinical testing. Allele origin: germline. Affected: yes. Observed: 2 variant alleles.
Comment: Compatible metabolite assay

OMIM
Classification: Pathogenic for CARNITINE-ACYLCARNITINE TRANSLOCASE DEFICIENCY. Last evaluated: 2004-04-15. Review status: no assertion criteria provided. Collection method: literature only. Allele origin: germline. Not counted in ClinVar's aggregate classification.

Literature cited by the submitters: PubMed 12859414 (cited by Women's Health and Genetics/Laboratory Corporation of America, LabCorp and OMIM); PubMed 15159657 (cited by Women's Health and Genetics/Laboratory Corporation of America, LabCorp); PubMed 15057979 (cited by Women's Health and Genetics/Laboratory Corporation of America, LabCorp and OMIM).

NM_000387.6(SLC25A20):c.713A>G (p.Gln238Arg)

Gene: SLC25A20 (solute carrier family 25 member 20; minus strand). Cytogenetic location: 3p21.31.
Variant type: single nucleotide variant.
Coding change: c.713A>G on transcript NM_000387.6 (MANE Select); coding-DNA position 713, A replaced by G.
Protein change: p.Gln238Arg; replaces glutamine 238 with arginine.
Molecular consequence: missense variant.
Genome position (GRCh38, 1-based): chr3:48,859,097, T>C on the plus strand (A>G on the coding strand, the complement: SLC25A20 is on the minus strand). VCF-style: chr3-48859097-T-C. GRCh37 (hg19) VCF-style: chr3-48896530-T-C.
Other names: short protein forms Q238R.
Identifiers: ClinVar variation 12138 (VCV000012138.9), dbSNP rs28934589, ClinGen allele CA121918.